The following is an entry in ClinVar:

ClinVar aggregate classification (germline): Uncertain significance. Review status: criteria provided, multiple submitters, no conflicts (2 of 4 stars). 3 submissions from 3 submitters: Uncertain significance (3). Last evaluated 2025-08-14.

Conditions:
Inborn genetic diseases. Identifiers: MedGen C0950123, MeSH D030342.

gnomAD v4.1: 14 of 1,611,252 alleles (0.00087%); highest among the groups gnomAD compares: Admixed American, 0.02%; no homozygotes.

Submissions (3):

Ambry Genetics
Classification: Uncertain significance for Inborn genetic diseases. Last evaluated: 2025-08-14. Review status: criteria provided, single submitter. Criteria: Ambry Variant Classification Scheme 2023. Collection method: clinical testing. Allele origin: germline.

Labcorp Genetics (formerly Invitae), Labcorp
Classification: Uncertain significance. Last evaluated: 2024-12-02. Review status: criteria provided, single submitter. Criteria: Invitae Variant Classification Sherloc (09022015). Collection method: clinical testing. Allele origin: germline.
Comment: This sequence change replaces arginine, which is basic and polar, with glycine, which is neutral and non-polar, at codon 308 of the USH1C protein (p.Arg308Gly). This variant is present in population databases (rs753755365, gnomAD 0.02%). This variant has not been reported in the literature in individuals affected with USH1C-related conditions. ClinVar contains an entry for this variant (Variation ID: 2153110). An algorithm developed to predict the effect of missense changes on protein structure and function (PolyPhen-2) suggests that this variant¬†is likely to be tolerated. In summary, the available evidence is currently insufficient to determine the role of this variant in disease. Therefore, it has been classified as a Variant of Uncertain Significance.

Blueprint Genetics
Classification: Uncertain significance. Last evaluated: 2021-06-22. Review status: criteria provided, single submitter. Criteria: ACMG Guidelines, 2015. Collection method: clinical testing. Allele origin: germline.

NM_153676.4(USH1C):c.922C>G (p.Arg308Gly)

Gene: USH1C (USH1 protein network component harmonin; minus strand). Cytogenetic location: 11p15.1.
Variant type: single nucleotide variant.
Coding change: c.922C>G on transcript NM_153676.4 (MANE Select); coding-DNA position 922, C replaced by G.
Protein change: p.Arg308Gly; replaces arginine 308 with glycine.
Molecular consequence: missense variant. On other transcripts: non-coding transcript variant (1).
Genome position (GRCh38, 1-based): chr11:17,522,881, G>C on the plus strand (C>G on the coding strand, the complement: USH1C is on the minus strand). VCF-style: chr11-17522881-G-C. GRCh37 (hg19) VCF-style: chr11-17544428-G-C.
Other names: c.865C>G, p.Arg289Gly (NM_001297764.2); c.922C>G, p.Arg308Gly (NM_005709.4); c.922C>G (NM_005709.3); short protein forms R308G, R289G.
Identifiers: ClinVar variation 2153110 (VCV002153110.4), dbSNP rs753755365, ClinGen allele CA5904790.
Genomic context (GRCh38, chr11:17,522,881, plus strand): 5'-TGGACTCCATCGCCAGCCGCTTCTGCATGAGAAGCTCCTGCCGCTGCAGCTCACGCTGCC[G>C]CGCCTCTGCCAGCCGCTCCCGGTCTGTCATGAACAGCTCCCGGCCCTCATGGGAGAAAAG-3'
Protein context (NP_710142.1, residues 298-318): MTDRERLAEA[Arg308Gly]QRELQRQELL